The following is an entry in ClinVar:

NM_152750.5(CDHR3):c.898C>T (p.Arg300Ter)

Gene: CDHR3 (cadherin related family member 3; plus strand). Cytogenetic location: 7q22.3.
Variant type: single nucleotide variant.
Coding change: c.898C>T on transcript NM_152750.5 (MANE Select); coding-DNA position 898, C replaced by T.
Protein change: p.Arg300Ter; replaces arginine 300 with a stop codon.
Molecular consequence: nonsense.
Genome position (GRCh38, 1-based): chr7:106,004,533, C>T. VCF-style: chr7-106004533-C-T. GRCh37 (hg19) VCF-style: chr7-105644979-C-T.
Other names: c.634C>T, p.Arg212Ter (NM_001301161.2); short protein forms R212*, R300*.
Identifiers: ClinVar variation 4880111 (VCV004880111.1).

ClinVar aggregate classification (germline): Likely pathogenic (1 of 4 stars; one submission).

Conditions:
Primary ciliary dyskinesia. Also called: Ciliary dyskinesia. Identifiers: Orphanet 244, MedGen C0008780, MONDO:0016575, HP:0012265.

gnomAD v4.1: 86 of 1,613,828 alleles (0.0053%); highest among the groups gnomAD compares: Non-Finnish European, 0.0065%; no homozygotes.

Submission:

Department of Human Genetics, Hannover Medical School
Classification: Likely pathogenic for Primary Ciliary Dyskinesia. Last evaluated: 2026-04-01. Review status: criteria provided, single submitter. Criteria: ACMG Guidelines, 2015. Collection method: research. Allele origin: germline. Affected: no.
Comment: Classification performed by HerediClassify using the following criteria:['PM2_supporting: Variant occures does not occur as homozygous in gnomAD.', 'PVS1_protein_very_strong: Transcript ENST00000317716 is predicted to undergo NMD.']